The following is an entry in ClinVar:

ClinVar aggregate classification (germline): Pathogenic/Likely pathogenic. Review status: criteria provided, multiple submitters, no conflicts (2 of 4 stars). 4 submissions from 4 submitters: Pathogenic (2); Likely pathogenic (1). 1 of the submissions does not count toward it. Last evaluated 2024-01-16.

Conditions:
Ornithine aminotransferase deficiency (GACR). Also called: HYPERORNITHINEMIA WITH GYRATE ATROPHY OF CHOROID AND RETINA; OAT DEFICIENCY; OKT DEFICIENCY; Ornithine ketoacid aminotransferase deficiency; Gyrate atrophy; Gyrate atrophy of choroid and retina. Identifiers: Orphanet 414, MedGen C0018425, MONDO:0009796, OMIM 258870.

Submissions (4):

Baylor Genetics
Classification: Pathogenic for Ornithine aminotransferase deficiency. Last evaluated: 2024-01-16. Review status: criteria provided, single submitter. Criteria: ACMG Guidelines, 2015. Collection method: clinical testing. Allele origin: unknown.

Fulgent Genetics
Classification: Likely pathogenic for Ornithine aminotransferase deficiency. Last evaluated: 2024-01-03. Review status: criteria provided, single submitter. Criteria: ACMG Guidelines, 2015. Collection method: clinical testing. Allele origin: germline.

Labcorp Genetics (formerly Invitae), Labcorp
Classification: Pathogenic for Ornithine aminotransferase deficiency. Last evaluated: 2021-10-28. Review status: criteria provided, single submitter. Criteria: Invitae Variant Classification Sherloc (09022015). Collection method: clinical testing. Allele origin: germline.
Comment: For these reasons, this variant has been classified as Pathogenic. Experimental studies have shown that this missense change affects OAT function (PMID: 1737786). Algorithms developed to predict the effect of missense changes on protein structure and function are either unavailable or do not agree on the potential impact of this missense change (SIFT: "Deleterious"; PolyPhen-2: "Probably Damaging"; Align-GVGD: "Class C0"). ClinVar contains an entry for this variant (Variation ID: 155). This missense change has been observed in individual(s) with gyrate atrophy (PMID: 1737786, 8670789, 24429551). This variant is not present in population databases (gnomAD no frequency). This sequence change replaces arginine, which is basic and polar, with lysine, which is basic and polar, at codon 271 of the OAT protein (p.Arg271Lys).

OMIM
Classification: Pathogenic for GYRATE ATROPHY OF CHOROID AND RETINA. Last evaluated: 1992-02-15. Review status: no assertion criteria provided. Collection method: literature only. Allele origin: germline. Not counted in ClinVar's aggregate classification.

Literature cited by the submitters: PubMed 1737786 (cited by Labcorp Genetics (formerly Invitae), Labcorp and OMIM); PubMed 8670789 (cited by Labcorp Genetics (formerly Invitae), Labcorp); PubMed 24429551 (cited by Labcorp Genetics (formerly Invitae), Labcorp); PubMed 3339136 (cited by OMIM).

NM_000274.4(OAT):c.812G>A (p.Arg271Lys)

Gene: OAT (ornithine aminotransferase; minus strand). Cytogenetic location: 10q26.13.
Variant type: single nucleotide variant.
Coding change: c.812G>A on transcript NM_000274.4 (MANE Select); coding-DNA position 812, G replaced by A.
Protein change: p.Arg271Lys; replaces arginine 271 with lysine.
Molecular consequence: missense variant.
Genome position (GRCh38, 1-based): chr10:124,403,015, C>T on the plus strand (G>A on the coding strand, the complement: OAT is on the minus strand). VCF-style: chr10-124403015-C-T. GRCh37 (hg19) VCF-style: chr10-126091584-C-T.
Other names: c.398G>A, p.Arg133Lys (NM_001171814.2); c.812G>A, p.Arg271Lys (NM_001322965.2, NM_001322966.2, NM_001322967.2 and 3 more transcripts); c.491G>A, p.Arg164Lys (NM_001322971.2); c.212G>A, p.Arg71Lys (NM_001322974.2); short protein forms R271K, R133K, R71K, R164K.
Identifiers: ClinVar variation 155 (VCV000000155.8), dbSNP rs121965042, ClinGen allele CA113937.
Genomic context (GRCh38, chr10:124,403,015, plus strand): 5'-CCAAGGAGGACTATATCAGGTCTGACATTTTCATAATCAACAGCCAGCCATCTACCAGTT[C>T]TGGCCAATCCTGTCTGTATTTCATCAGCAATAAAGAGAACCTATTGGGGAAAAAAAATAC-3'
Protein context (NP_000265.1, residues 261-281): IADEIQTGLA[Arg271Lys]TGRWLAVDYE